The following is an entry in ClinVar:

NM_170606.3(KMT2C):c.12795A>G (p.Pro4265=)

Gene: KMT2C (lysine methyltransferase 2C; minus strand). Cytogenetic location: 7q36.1.
Variant type: single nucleotide variant.
Coding change: c.12795A>G on transcript NM_170606.3 (MANE Select); coding-DNA position 12795, A replaced by G.
Protein change: p.Pro4265=; no amino-acid change (proline 4265 retained).
Molecular consequence: synonymous variant.
Genome position (GRCh38, 1-based): chr7:152,149,132, T>C on the plus strand (A>G on the coding strand, the complement: KMT2C is on the minus strand). VCF-style: chr7-152149132-T-C. GRCh37 (hg19) VCF-style: chr7-151846217-T-C.
Identifiers: ClinVar variation 2658195 (VCV002658195.25), dbSNP rs2091396036, ClinGen allele CA458885066.
Genomic context (GRCh38, chr7:152,149,132, plus strand): 5'-GGAGATGTTGTTGCTGTACTGATGAAATGCTTTGGAAGGCGTTTCTCTCATAGGTGATTG[T>C]GGCAATGAAGGAATGGATTCCTGGGCAACATAAAGAAACCATGACAAAGAAAAATAATTC-3'
Protein context (NP_733751.2, residues 4255-4275): SENKESIPSL[Pro4265=]QSPMRETPSK

ClinVar aggregate classification (germline): Likely benign. Review status: criteria provided, multiple submitters, no conflicts (2 of 4 stars). 2 submissions from 2 submitters: Likely benign (2). Last evaluated 2025-06-10.

Allele frequency attached by ClinVar (database versions not stated): TOPMed below 0.00001.
gnomAD v4.1: 3 of 1,461,384 alleles (0.00021%); no homozygotes.

Submissions (2):

Labcorp Genetics (formerly Invitae), Labcorp
Classification: Likely benign. Last evaluated: 2025-06-10. Review status: criteria provided, single submitter. Criteria: Invitae Variant Classification Sherloc (09022015). Collection method: clinical testing. Allele origin: germline.

CeGaT Center for Human Genetics Tuebingen
Classification: Likely benign. Last evaluated: 2024-01-01. Review status: criteria provided, single submitter. Criteria: CeGaT Center For Human Genetics Tuebingen Variant Classification Criteria Version 2. Collection method: clinical testing. Allele origin: germline. Affected: yes. Observed: 3 variant alleles.
Comment: KMT2C: PM2:Supporting, BP4, BP7